The following is an entry in ClinVar:

NM_002047.4(GARS1):c.2044C>A (p.His682Asn)

Gene: GARS1 (glycyl-tRNA synthetase 1; plus strand). Cytogenetic location: 7p14.3.
Variant type: single nucleotide variant.
Coding change: c.2044C>A on transcript NM_002047.4 (MANE Select); coding-DNA position 2044, C replaced by A.
Protein change: p.His682Asn; replaces histidine 682 with asparagine.
Molecular consequence: missense variant.
Genome position (GRCh38, 1-based): chr7:30,632,387, C>A. VCF-style: chr7-30632387-C-A. GRCh37 (hg19) VCF-style: chr7-30672003-C-A.
Other names: c.1882C>A, p.His628Asn (NM_001316772.1); c.2044C>A (NM_002047.2); short protein forms H628N, H682N.
Identifiers: ClinVar variation 694996 (VCV000694996.11), dbSNP rs1437642803, ClinGen allele CA367130925.
Genomic context (GRCh38, chr7:30,632,387, plus strand): 5'-GATGAGATTGGCGTGGCTTTTGGTGTCACCATTGACTTTGACACAGTGAACAAGACCCCC[C>A]ACACTGCAACTCTGAGGGACCGTGACTCAATGCGGCAGATAAGAGCAGAGGTATCTGGCC-3'
Protein context (NP_002038.2, residues 672-692): IDFDTVNKTP[His682Asn]TATLRDRDSM

ClinVar aggregate classification (germline): Uncertain significance. Review status: criteria provided, multiple submitters, no conflicts (2 of 4 stars). 4 submissions from 4 submitters: Uncertain significance (3). 1 of the submissions does not count toward it. Last evaluated 2025-08-30.

Conditions:
Charcot-Marie-Tooth disease. Also called: Charcot-Marie-Tooth Neuropathy; Charcot-Marie-Tooth Hereditary Neuropathy. Identifiers: Orphanet 166, MedGen C0007959, MONDO:0015626.
Charcot-Marie-Tooth disease type 2. Also called: Charcot-Marie-Tooth type 2. Identifiers: Orphanet 64746, MedGen C0270914, MONDO:0018993.

Allele frequency attached by ClinVar (database versions not stated): gnomAD 0.00001; TOPMed 0.00001.
gnomAD v4.1: 32 of 1,614,050 alleles (0.002%); highest among the groups gnomAD compares: Non-Finnish European, 0.0025%; no homozygotes.

Submissions (4):

Ambry Genetics
Classification: Uncertain significance. Last evaluated: 2025-08-30. Review status: criteria provided, single submitter. Criteria: Ambry Variant Classification Scheme 2023. Collection method: clinical testing. Allele origin: germline.

Labcorp Genetics (formerly Invitae), Labcorp
Classification: Uncertain significance for Charcot-Marie-Tooth disease type 2. Last evaluated: 2025-07-31. Review status: criteria provided, single submitter. Criteria: Invitae Variant Classification Sherloc (09022015). Collection method: clinical testing. Allele origin: germline.
Comment: This sequence change replaces histidine, which is basic and polar, with asparagine, which is neutral and polar, at codon 682 of the GARS protein (p.His682Asn). This variant is not present in population databases (gnomAD no frequency). This variant has not been reported in the literature in individuals affected with GARS-related conditions. ClinVar contains an entry for this variant (Variation ID: 694996). Invitae Evidence Modeling of protein sequence and biophysical properties (such as structural, functional, and spatial information, amino acid conservation, physicochemical variation, residue mobility, and thermodynamic stability) indicates that this missense variant is not expected to disrupt GARS protein function with a negative predictive value of 95%. In summary, the available evidence is currently insufficient to determine the role of this variant in disease. Therefore, it has been classified as a Variant of Uncertain Significance.

GeneDx
Classification: Uncertain significance. Last evaluated: 2024-11-15. Review status: criteria provided, single submitter. Criteria: GeneDx Variant Classification Process June 2021. Collection method: clinical testing. Allele origin: germline. Affected: yes.
Comment: Not observed at significant frequency in large population cohorts (gnomAD); In silico analysis supports that this missense variant has a deleterious effect on protein structure/function; Has not been previously published as pathogenic or benign to our knowledge

Genesis Genome Database
Classification: Uncertain significance for Charcot-Marie-Tooth disease. Last evaluated: 2019-08-14. Review status: no assertion criteria provided. Collection method: research. Allele origin: germline. Affected: yes. Not counted in ClinVar's aggregate classification.